The following is an entry in ClinVar:

NM_000052.7(ATP7A):c.3153C>T (p.His1051=)

Gene: ATP7A (ATPase copper transporting alpha; plus strand). Cytogenetic location: Xq21.1.
Variant type: single nucleotide variant.
Coding change: c.3153C>T on transcript NM_000052.7 (MANE Select); coding-DNA position 3153, C replaced by T.
Protein change: p.His1051=; no amino-acid change (histidine 1051 retained).
Molecular consequence: synonymous variant. On other transcripts: non-coding transcript variant (1).
Genome position (GRCh38, 1-based): chrX:78,031,441, C>T. VCF-style: chrX-78031441-C-T. GRCh37 (hg19) VCF-style: chrX-77286939-C-T.
Other names: c.2919C>T, p.His973= (NM_001282224.2).
Identifiers: ClinVar variation 377537 (VCV000377537.39), dbSNP rs142998552, ClinGen allele CA10459385.
Genomic context (GRCh38, chrX:78,031,441, plus strand): 5'-TATCTTAATTTTTTTACAGGTAAAGGTAGTGGTATTTGATAAGACTGGAACCATTACTCA[C>T]GGAACCCCAGTGGTGAATCAAGTAAAGGTTCTAACTGAAAGTAACAGAATATCACACCAT-3'
Protein context (NP_000043.4, residues 1041-1061): VVFDKTGTIT[His1051=]GTPVVNQVKV

ClinVar aggregate classification (germline): Benign/Likely benign. Review status: criteria provided, multiple submitters, no conflicts (2 of 4 stars). 5 submissions from 5 submitters: Benign (1); Likely benign (3). 1 of the submissions does not count toward it. Last evaluated 2026-06-01.

Conditions:
X-linked distal spinal muscular atrophy type 3. Also called: ATP7A-Related Distal Motor Neuropathy; SPINAL MUSCULAR ATROPHY, DISTAL, X-LINKED RECESSIVE; NEURONOPATHY, DISTAL HEREDITARY MOTOR, X-LINKED; NEUROPATHY, DISTAL HEREDITARY MOTOR, X-LINKED. Identifiers: Orphanet 139557, MedGen C1845359, MONDO:0010338, OMIM 300489.
Cutis laxa, X-linked (OHS). Also called: Occipital horn syndrome; EDS IX. Identifiers: Orphanet 198, MedGen C0268353, MONDO:0010572, OMIM 304150.
Menkes kinky-hair syndrome (MNK). Also called: Menkes Disease; Copper transport disease; Classic Menkes Disease. Identifiers: Orphanet 565, MedGen C0022716, MONDO:0010651, OMIM 309400.
ATP7A-related disorder. Also called: ATP7A-related condition.

Allele frequency attached by ClinVar (database versions not stated): ExAC 0.00014; gnomAD 0.00014; gnomAD exomes 0.00020; 1000 Genomes Project 0.00026; TOPMed 0.00035; ESP Exome Variant Server 0.00057.
gnomAD v4.1: 184 of 1,209,139 alleles (0.015%); highest among the groups gnomAD compares: Admixed American, 0.026%; 1 homozygote.

Submissions (5):

CeGaT Center for Human Genetics Tuebingen
Classification: Likely benign. Last evaluated: 2026-06-01. Review status: criteria provided, single submitter. Criteria: CeGaT Center For Human Genetics Tuebingen Variant Classification Criteria Version 2. Collection method: clinical testing. Allele origin: germline. Affected: yes. Observed: 2 variant alleles.
Comment: ATP7A: BP4, BS2

Labcorp Genetics (formerly Invitae), Labcorp
Classification: Benign for X-linked distal spinal muscular atrophy type 3; Cutis laxa, X-linked; Menkes kinky-hair syndrome. Last evaluated: 2026-01-18. Review status: criteria provided, single submitter. Criteria: Invitae Variant Classification Sherloc (09022015). Collection method: clinical testing. Allele origin: germline.

Blueprint Genetics
Classification: Likely benign. Last evaluated: 2024-09-19. Review status: criteria provided, single submitter. Criteria: ACMG Guidelines, 2015. Collection method: clinical testing. Allele origin: germline.

GeneDx
Classification: Likely benign. Last evaluated: 2021-06-08. Review status: criteria provided, single submitter. Criteria: GeneDx Variant Classification Process June 2021. Collection method: clinical testing. Allele origin: germline. Affected: yes.

PreventionGenetics, part of Exact Sciences
Classification: Likely benign for ATP7A-related condition. Last evaluated: 2019-06-19. Review status: no assertion criteria provided. Collection method: clinical testing. Allele origin: germline. Not counted in ClinVar's aggregate classification.
Comment: This variant is classified as likely benign based on ACMG/AMP sequence variant interpretation guidelines (Richards et al. 2015 PMID: 25741868, with internal and published modifications).